The following is an entry in ClinVar:

ClinVar aggregate classification (germline): Pathogenic (1 of 4 stars; one submission).

Submission:

Labcorp Genetics (formerly Invitae), Labcorp
Classification: Pathogenic. Last evaluated: 2023-08-16. Review status: criteria provided, single submitter. Criteria: Invitae Variant Classification Sherloc (09022015). Collection method: clinical testing. Allele origin: germline.
Comment: This variant has not been reported in the literature in individuals affected with SLC1A4-related conditions. For these reasons, this variant has been classified as Pathogenic. This variant is not present in population databases (gnomAD no frequency). This sequence change creates a premature translational stop signal (p.Gly57Alafs*132) in the SLC1A4 gene. It is expected to result in an absent or disrupted protein product. Loss-of-function variants in SLC1A4 are known to be pathogenic (PMID: 26041762, 27848944, 30125339).

Literature cited by the submitters: PubMed 26041762; PubMed 27848944; PubMed 30125339.

NM_003038.5(SLC1A4):c.170_192del (p.Gly57fs)

Gene: SLC1A4 (solute carrier family 1 member 4; plus strand). Cytogenetic location: 2p14.
Variant type: Deletion.
Coding change: c.170_192del on transcript NM_003038.5 (MANE Select); coding-DNA positions 170 to 192, 23 bases deleted (GCCTGGGCGCGGCGTTGCGCGGG).
Protein change: p.Gly57fs; shifts the reading frame from glycine 57.
Molecular consequence: frameshift variant. On other transcripts: intron variant (3).
Genome position (GRCh38, 1-based): chr2:64,989,813-64,989,835, GCCTGGGCGCGGCGTTGCGCGGG deleted; deleting any 23 consecutive bases within chr2:64,989,811-64,989,835 gives the same sequence; the c. name uses the placement nearest the transcript's 3' end. VCF-style (leftmost placement, unchanged base first): chr2-64989810-CGGGCCTGGGCGCGGCGTTGCGCG-C. GRCh37 (hg19) VCF-style: chr2-65216944-CGGGCCTGGGCGCGGCGTTGCGCG-C.
Other names: c.-134+1193_-134+1215del (NM_001348406.2, NM_001193493.2); c.-134+1259_-134+1281del (NM_001348407.2); short protein forms G57fs.
Identifiers: ClinVar variation 2744387 (VCV002744387.3), dbSNP rs2528509885, ClinGen allele CA2697548204.